The following is an entry in ClinVar:

NM_005585.5(SMAD6):c.1120G>C (p.Glu374Gln)

Gene: SMAD6 (SMAD family member 6; plus strand). Cytogenetic location: 15q22.31.
Variant type: single nucleotide variant.
Coding change: c.1120G>C on transcript NM_005585.5 (MANE Select); coding-DNA position 1120, G replaced by C.
Protein change: p.Glu374Gln; replaces glutamic acid 374 with glutamine.
Molecular consequence: missense variant. On other transcripts: non-coding transcript variant (1).
Genome position (GRCh38, 1-based): chr15:66,781,164, G>C. VCF-style: chr15-66781164-G-C. GRCh37 (hg19) VCF-style: chr15-67073502-G-C.
Other names: short protein forms E374Q.
Identifiers: ClinVar variation 2316784 (VCV002316784.4), dbSNP rs1448463416, ClinGen allele CA393201901.

ClinVar aggregate classification (germline): Uncertain significance. Review status: criteria provided, single submitter (1 of 4 stars). 2 submissions from 2 submitters: Uncertain significance (1). 1 of the submissions does not count toward it. Last evaluated 2025-07-24.

Conditions:
Inborn genetic diseases. Identifiers: MedGen C0950123, MeSH D030342.
SMAD6-related disease. Also called: SMAD6-related condition; SMAD6-related disorder. Identifiers: MedGen CN381596, MONDO:0700324.

gnomAD v4.1: 3 of 1,608,006 alleles (0.00019%); highest among the groups gnomAD compares: East Asian, 0.0067%; no homozygotes.

Submissions (2):

Ambry Genetics
Classification: Uncertain significance for Inborn genetic diseases. Last evaluated: 2025-07-24. Review status: criteria provided, single submitter. Criteria: Ambry Variant Classification Scheme 2023. Collection method: clinical testing. Allele origin: germline.
Comment: The p.E374Q variant (also known as c.1120G>C), located in coding exon 4 of the SMAD6 gene, results from a G to C substitution at nucleotide position 1120. The glutamic acid at codon 374 is replaced by glutamine, an amino acid with highly similar properties. This amino acid position is conserved. In addition, the in silico prediction for this alteration is inconclusive. Based on the available evidence, the clinical significance of this variant remains unclear.

PreventionGenetics, part of Exact Sciences
Classification: Uncertain significance for SMAD6-related condition. Last evaluated: 2024-06-28. Review status: no assertion criteria provided. Collection method: clinical testing. Allele origin: germline. Not counted in ClinVar's aggregate classification.
Comment: The SMAD6 c.1120G>C variant is predicted to result in the amino acid substitution p.Glu374Gln. To our knowledge, this variant has not been reported in the literature. This variant is reported in 0.011% of alleles in individuals of East Asian descent in gnomAD. At this time, the clinical significance of this variant is uncertain due to the absence of conclusive functional and genetic evidence.